The following is an entry in ClinVar:

ClinVar aggregate classification (germline): Uncertain significance. Review status: criteria provided, multiple submitters, no conflicts (2 of 4 stars). 2 submissions from 2 submitters: Uncertain significance (2). Last evaluated 2026-04-14.

Conditions:
Inborn genetic diseases. Identifiers: MedGen C0950123, MeSH D030342.

Allele frequency attached by ClinVar (database versions not stated): gnomAD exomes below 0.00001.

Submissions (2):

Ambry Genetics
Classification: Uncertain significance for Inborn genetic diseases. Last evaluated: 2026-04-14. Review status: criteria provided, single submitter. Criteria: Ambry Variant Classification Scheme 2023. Collection method: clinical testing. Allele origin: germline.

Labcorp Genetics (formerly Invitae), Labcorp
Classification: Uncertain significance. Last evaluated: 2022-06-04. Review status: criteria provided, single submitter. Criteria: Invitae Variant Classification Sherloc (09022015). Collection method: clinical testing. Allele origin: germline.
Comment: This variant is not present in population databases (gnomAD no frequency). This sequence change replaces methionine, which is neutral and non-polar, with threonine, which is neutral and polar, at codon 120 of the GNB3 protein (p.Met120Thr). This variant has not been reported in the literature in individuals affected with GNB3-related conditions. In summary, the available evidence is currently insufficient to determine the role of this variant in disease. Therefore, it has been classified as a Variant of Uncertain Significance. Algorithms developed to predict the effect of missense changes on protein structure and function (SIFT, PolyPhen-2, Align-GVGD) all suggest that this variant is likely to be tolerated. ClinVar contains an entry for this variant (Variation ID: 1354946).

NM_002075.4(GNB3):c.359T>C (p.Met120Thr)

Gene: GNB3 (G protein subunit beta 3; plus strand). Cytogenetic location: 12p13.31.
Variant type: single nucleotide variant.
Coding change: c.359T>C on transcript NM_002075.4 (MANE Select); coding-DNA position 359, T replaced by C.
Protein change: p.Met120Thr; replaces methionine 120 with threonine.
Molecular consequence: missense variant.
Genome position (GRCh38, 1-based): chr12:6,843,454, T>C. VCF-style: chr12-6843454-T-C. GRCh37 (hg19) VCF-style: chr12-6952618-T-C.
Other names: c.359T>C, p.Met120Thr (NM_001297571.2); c.359T>C (NM_002075.2); short protein forms M120T.
Identifiers: ClinVar variation 1354946 (VCV001354946.7), dbSNP rs2137983367, ClinGen allele CA383672476.